The following is an entry in ClinVar:

NM_000466.3(PEX1):c.3438+1G>A

Genes: GATAD1 (GATA zinc finger domain containing 1; plus strand), PEX1 (peroxisomal biogenesis factor 1; minus strand). Cytogenetic location: 7q21.2.
Variant type: single nucleotide variant.
Coding change: c.3438+1G>A on transcript NM_000466.3 (MANE Select); the canonical splice donor site of the intron after coding-DNA position 3438, G replaced by A.
Molecular consequence: splice donor variant.
Genome position (GRCh38, 1-based): chr7:92,491,271, C>T on the plus strand (G>A on the coding strand, the complement: PEX1 is on the minus strand). VCF-style: chr7-92491271-C-T. GRCh37 (hg19) VCF-style: chr7-92120585-C-T.
Other names: c.3267+1G>A (NM_001282677.2); c.2814+1G>A (NM_001282678.2).
Identifiers: ClinVar variation 1509459 (VCV001509459.8), dbSNP rs1554367284, ClinGen allele CA368163237.

ClinVar aggregate classification (germline): Likely pathogenic (1 of 4 stars; one submission).

Conditions:
Zellweger spectrum disorders (ZS). Also called: Zellweger syndrome; Zellweger Spectrum Disorder (ZSD); Zellweger Spectrum Disorder; Zellweger Spectrum. Identifiers: Orphanet 912, MedGen C0043459, MONDO:0019609.

Submission:

Labcorp Genetics (formerly Invitae), Labcorp
Classification: Likely pathogenic for Zellweger spectrum disorders. Last evaluated: 2021-04-14. Review status: criteria provided, single submitter. Criteria: Invitae Variant Classification Sherloc (09022015). Collection method: clinical testing. Allele origin: germline.
Comment: In summary, the currently available evidence indicates that the variant is pathogenic, but additional data are needed to prove that conclusively. Therefore, this variant has been classified as Likely Pathogenic. Algorithms developed to predict the effect of sequence changes on RNA splicing suggest that this variant may disrupt the consensus splice site, but this prediction has not been confirmed by published transcriptional studies. Disruption of this splice site has been observed in individual(s) with Zellweger Syndrome Spectrum (PMID: 19105186). This variant is not present in population databases (ExAC no frequency). This sequence change affects a donor splice site in intron 21 of the PEX1 gene. It is expected to disrupt RNA splicing. Variants that disrupt the donor or acceptor splice site typically lead to a loss of protein function (PMID: 16199547), and loss-of-function variants in PEX1 are known to be pathogenic (PMID: 9398847, 16086329, 16141001, 21031596, 26387595, 31831025).

Literature cited by the submitters: PubMed 19105186; PubMed 16199547; PubMed 9398847; PubMed 16086329; PubMed 16141001; PubMed 21031596; PubMed 26387595; PubMed 31831025.